The following is an entry in ClinVar:

NM_002335.4(LRP5):c.2056A>G (p.Asn686Asp)

Gene: LRP5 (LDL receptor related protein 5; plus strand). Cytogenetic location: 11q13.2.
Variant type: single nucleotide variant.
Coding change: c.2056A>G on transcript NM_002335.4 (MANE Select); coding-DNA position 2056, A replaced by G.
Protein change: p.Asn686Asp; replaces asparagine 686 with aspartic acid.
Molecular consequence: missense variant.
Genome position (GRCh38, 1-based): chr11:68,406,778, A>G. VCF-style: chr11-68406778-A-G. GRCh37 (hg19) VCF-style: chr11-68174246-A-G.
Other names: c.2056A>G (NM_002335.2); c.313A>G, p.Asn105Asp (NM_001291902.2); short protein forms N105D, N686D.
Identifiers: ClinVar variation 3696850 (VCV003696850.3).

ClinVar aggregate classification (germline): Uncertain significance. Review status: criteria provided, multiple submitters, no conflicts (2 of 4 stars). 2 submissions from 2 submitters: Uncertain significance (2). Last evaluated 2025-03-08.

Conditions:
Inborn genetic diseases. Identifiers: MedGen C0950123, MeSH D030342.

gnomAD v4.1: 2 of 1,613,970 alleles (0.00012%); highest among the groups gnomAD compares: African/African-American, 0.0013%; no homozygotes.

Submissions (2):

Ambry Genetics
Classification: Uncertain significance for Inborn genetic diseases. Last evaluated: 2025-03-08. Review status: criteria provided, single submitter. Criteria: Ambry Variant Classification Scheme 2023. Collection method: clinical testing. Allele origin: germline.

Labcorp Genetics (formerly Invitae), Labcorp
Classification: Uncertain significance. Last evaluated: 2024-06-11. Review status: criteria provided, single submitter. Criteria: Invitae Variant Classification Sherloc (09022015). Collection method: clinical testing. Allele origin: germline.
Comment: This sequence change replaces asparagine, which is neutral and polar, with aspartic acid, which is acidic and polar, at codon 686 of the LRP5 protein (p.Asn686Asp). This variant is present in population databases (rs781660447, gnomAD 0.0009%). This variant has not been reported in the literature in individuals affected with LRP5-related conditions. Advanced modeling of protein sequence and biophysical properties (such as structural, functional, and spatial information, amino acid conservation, physicochemical variation, residue mobility, and thermodynamic stability) performed at Invitae indicates that this missense variant is not expected to disrupt LRP5 protein function with a negative predictive value of 95%. In summary, the available evidence is currently insufficient to determine the role of this variant in disease. Therefore, it has been classified as a Variant of Uncertain Significance.